The following is an entry in ClinVar:

NM_019851.3(FGF20):c.195C>G (p.Arg65=)

Gene: FGF20 (fibroblast growth factor 20; minus strand). Cytogenetic location: 8p22.
Variant type: single nucleotide variant.
Coding change: c.195C>G on transcript NM_019851.3 (MANE Select); coding-DNA position 195, C replaced by G.
Protein change: p.Arg65=; no amino-acid change (arginine 65 retained).
Molecular consequence: synonymous variant.
Genome position (GRCh38, 1-based): chr8:17,001,838, G>C on the plus strand (C>G on the coding strand, the complement: FGF20 is on the minus strand). VCF-style: chr8-17001838-G-C. GRCh37 (hg19) VCF-style: chr8-16859347-G-C.
Identifiers: ClinVar variation 3056011 (VCV003056011.2), dbSNP rs796448091, ClinGen allele CA172914909.
Genomic context (GRCh38, chr8:17,001,838, plus strand): 5'-CACGCTGCCGTCGGGCAGGATCTGCAGGTGGAAGCCGGTGCGGCAATAGAGCTGCCGGCG[G>C]CGCAGGATGCCGTGCAGGTGCGCCAGCTGCGCAGCCCCCGGCCCGCCGCGCGCGCTCCGC-3'
Protein context (NP_062825.1, residues 55-75): AQLAHLHGIL[Arg65=]RRQLYCRTGF

ClinVar aggregate classification (germline): Likely benign (0 of 4 stars; one submission).

Conditions:
FGF20-related disorder. Also called: FGF20-related condition.

Submission:

PreventionGenetics, part of Exact Sciences
Classification: Likely benign for FGF20-related condition. Last evaluated: 2020-03-18. Review status: no assertion criteria provided. Collection method: clinical testing. Allele origin: germline.
Comment: This variant is classified as likely benign based on ACMG/AMP sequence variant interpretation guidelines (Richards et al. 2015 PMID: 25741868, with internal and published modifications).